The following is an entry in ClinVar:

NM_138425.4(C12orf57):c.52+1G>T

Gene: C12orf57 (chromosome 12 open reading frame 57; plus strand). Cytogenetic location: 12p13.31.
Variant type: single nucleotide variant.
Coding change: c.52+1G>T on transcript NM_138425.4 (MANE Select); the canonical splice donor site of the intron after coding-DNA position 52, G replaced by T.
Molecular consequence: splice donor variant. On other transcripts: intron variant (1).
Genome position (GRCh38, 1-based): chr12:6,944,174, G>T. VCF-style: chr12-6944174-G-T. GRCh37 (hg19) VCF-style: chr12-7053337-G-T.
Other names: c.-150+1G>T (NM_001301838.2); c.52+1G>T (NM_001301837.2, NM_001301834.1); c.14-302G>T (NM_001301836.2).
Identifiers: ClinVar variation 661984 (VCV000661984.9), dbSNP rs782640048, ClinGen allele CA383744265.

ClinVar aggregate classification (germline): Likely pathogenic (1 of 4 stars; one submission).

Conditions:
Temtamy syndrome (TEMTYS). Also called: MENTAL RETARDATION WITH OR WITHOUT CRANIOFACIAL DYSMORPHISM, OCULAR COLOBOMA, OR ABNORMAL CORPUS CALLOSUM. Identifiers: Orphanet 1777, MedGen C1857512, MONDO:0009033, OMIM 218340.

Allele frequency attached by ClinVar (database versions not stated): gnomAD exomes below 0.00001; gnomAD 0.00001.
gnomAD v4.1: 2 of 1,614,100 alleles (0.00012%); highest among the groups gnomAD compares: Admixed American, 0.0033%; no homozygotes.

Submission:

Labcorp Genetics (formerly Invitae), Labcorp
Classification: Likely pathogenic for Temtamy syndrome. Last evaluated: 2022-11-22. Review status: criteria provided, single submitter. Criteria: Invitae Variant Classification Sherloc (09022015). Collection method: clinical testing. Allele origin: germline.
Comment: ClinVar contains an entry for this variant (Variation ID: 661984). This variant has not been reported in the literature in individuals affected with C12orf57-related conditions. This variant is present in population databases (no rsID available, gnomAD 0.003%). This sequence change affects a donor splice site in intron 1 of the C12orf57 gene. It is expected to disrupt RNA splicing. Variants that disrupt the donor or acceptor splice site typically lead to a loss of protein function (PMID: 16199547), and loss-of-function variants in C12orf57 are known to be pathogenic (PMID: 23453665, 24798461). In summary, the currently available evidence indicates that the variant is pathogenic, but additional data are needed to prove that conclusively. Therefore, this variant has been classified as Likely Pathogenic. Algorithms developed to predict the effect of sequence changes on RNA splicing suggest that this variant may disrupt the consensus splice site.

Literature cited by the submitters: PubMed 16199547; PubMed 23453665; PubMed 24798461.